The following is an entry in ClinVar:

ClinVar aggregate classification (germline): Uncertain significance. Review status: criteria provided, multiple submitters, no conflicts (2 of 4 stars). 2 submissions from 2 submitters: Uncertain significance (2). Last evaluated 2025-08-31.

Conditions:
Inborn genetic diseases. Identifiers: MedGen C0950123, MeSH D030342.
Gamma-aminobutyric acid transaminase deficiency (GABATD). Also called: GABA transaminase deficiency; Gamma aminobutyrate transaminase deficiency; 4 alpha aminobutyrate transaminase deficiency; GABA aminotransaminase deficiency. Identifiers: Orphanet 2066, MedGen C0342708, MONDO:0013166, OMIM 613163.

Allele frequency attached by ClinVar (database versions not stated): gnomAD 0.00001.
gnomAD v4.1: 4 of 1,613,844 alleles (0.00025%); highest among the groups gnomAD compares: Non-Finnish European, 0.00025%; no homozygotes.

Submissions (2):

Ambry Genetics
Classification: Uncertain significance for Inborn genetic diseases. Last evaluated: 2025-08-31. Review status: criteria provided, single submitter. Criteria: Ambry Variant Classification Scheme 2023. Collection method: clinical testing. Allele origin: germline.

Labcorp Genetics (formerly Invitae), Labcorp
Classification: Uncertain significance for Gamma-aminobutyric acid transaminase deficiency. Last evaluated: 2022-08-02. Review status: criteria provided, single submitter. Criteria: Invitae Variant Classification Sherloc (09022015). Collection method: clinical testing. Allele origin: germline.
Comment: In summary, the available evidence is currently insufficient to determine the role of this variant in disease. Therefore, it has been classified as a Variant of Uncertain Significance. Algorithms developed to predict the effect of missense changes on protein structure and function (SIFT, PolyPhen-2, Align-GVGD) all suggest that this variant is likely to be tolerated. ClinVar contains an entry for this variant (Variation ID: 1515484). This variant has not been reported in the literature in individuals affected with ABAT-related conditions. This variant is not present in population databases (gnomAD no frequency). This sequence change replaces glutamic acid, which is acidic and polar, with lysine, which is basic and polar, at codon 69 of the ABAT protein (p.Glu69Lys).

NM_020686.6(ABAT):c.205G>A (p.Glu69Lys)

Gene: ABAT (4-aminobutyrate aminotransferase; plus strand). Cytogenetic location: 16p13.2.
Variant type: single nucleotide variant.
Coding change: c.205G>A on transcript NM_020686.6 (MANE Select); coding-DNA position 205, G replaced by A.
Protein change: p.Glu69Lys; replaces glutamic acid 69 with lysine.
Molecular consequence: missense variant. On other transcripts: intron variant (2).
Genome position (GRCh38, 1-based): chr16:8,750,428, G>A. VCF-style: chr16-8750428-G-A. GRCh37 (hg19) VCF-style: chr16-8844285-G-A.
Other names: c.70G>A, p.Glu24Lys (NM_001386613.1, NM_001386611.1, NM_001386612.1); c.205G>A, p.Glu69Lys (NM_001386615.1, NM_001386616.1, NM_000663.5 and 11 more transcripts); c.101-31G>A (NM_001386610.1); c.71-7329G>A (NM_001386614.1); c.205G>A (NM_020686.5); short protein forms E69K, E24K.
Identifiers: ClinVar variation 1515484 (VCV001515484.9), dbSNP rs752701740, ClinGen allele CA394687751.
Genomic context (GRCh38, chr16:8,750,428, plus strand): 5'-CCCAAGAATCTAGGGAGTGGCAGTGAGCCTGAGTTGGTCTTTTCTTTCTCCAAGAATGCA[G>A]AGGCTGTGCATTTTTTCTGCAATTACGAAGAGAGCCGAGGCAATTACCTGGTTGATGTGG-3'
Protein context (NP_065737.2, residues 59-79): MKQLNIIQNA[Glu69Lys]AVHFFCNYEE